The following is an entry in ClinVar:

NC_000009.12:g.35657989A>T

Gene: RMRP (RNA component of mitochondrial RNA processing endoribonuclease; minus strand). Cytogenetic location: 9p13.3.
Variant type: single nucleotide variant.
Genome position: GRCh38 VCF-style: chr9-35657989-A-T. GRCh37 (hg19) VCF-style: chr9-35657986-A-T.
Identifiers: ClinVar variation 1506039 (VCV001506039.6), dbSNP rs1823627300, ClinGen allele CA464451017.

ClinVar aggregate classification (germline): Uncertain significance (1 of 4 stars; one submission).

Conditions:
Anauxetic dysplasia. Identifiers: Orphanet 93347, MedGen C1846796, MONDO:0011773.

Submission:

Labcorp Genetics (formerly Invitae), Labcorp
Classification: Uncertain significance for Anauxetic dysplasia. Last evaluated: 2022-01-03. Review status: criteria provided, single submitter. Criteria: Invitae Variant Classification Sherloc (09022015). Collection method: clinical testing. Allele origin: germline.
Comment: This variant is not present in population databases (gnomAD no frequency). This variant occurs in the RMRP gene, which encodes an RNA molecule that does not result in a protein product. This variant has not been reported in the literature in individuals affected with RMRP-related conditions. In summary, the available evidence is currently insufficient to determine the role of this variant in disease. Therefore, it has been classified as a Variant of Uncertain Significance. Experimental studies and prediction algorithms are not available or were not evaluated, and the functional significance of this variant is currently unknown.